The following is an entry in ClinVar:

ClinVar aggregate classification (germline): Uncertain significance (1 of 4 stars; one submission).

Conditions:
Cardiovascular phenotype. Identifiers: MedGen CN230736.

Submission:

Ambry Genetics
Classification: Uncertain significance for Cardiovascular phenotype. Last evaluated: 2026-02-19. Review status: criteria provided, single submitter. Criteria: Ambry Variant Classification Scheme 2023. Collection method: clinical testing. Allele origin: germline.
Comment: The p.Q751E variant (also known as c.2251C>G), located in coding exon 1 of the ZNF469 gene, results from a C to G substitution at nucleotide position 2251. The glutamine at codon 751 is replaced by glutamic acid, an amino acid with highly similar properties. This amino acid position is conserved. In addition, this alteration is predicted to be tolerated by in silico analysis. Based on the available evidence, the clinical significance of this variant remains unclear.

NM_001127464.1:c.2251C>G

Gene: ZNF469 (zinc finger protein 469; plus strand).
Variant type: single nucleotide variant.
Identifiers: ClinVar variation 4845031 (VCV004845031.1).